The following is an entry in ClinVar:

ClinVar aggregate classification (germline): Conflicting classifications of pathogenicity. Review status: criteria provided, conflicting classifications (1 of 4 stars). 2 submissions from 2 submitters: Uncertain significance (1); Likely benign (1). Last evaluated 2025-08-27.

Conditions:
Tumor predisposition syndrome 3 (TPDS3). Also called: Glioma susceptibility 9; LONG TELOMERE SYNDROME, POT1-RELATED; POT1 Tumor Predisposition; Melanoma, cutaneous malignant, susceptibility to, 10. Identifiers: Orphanet 618, MedGen C4014476, MONDO:0014368, OMIM 615848.
Hereditary cancer-predisposing syndrome. Also called: Tumor predisposition; Hereditary Cancer Syndrome; Hereditary neoplastic syndrome; Neoplastic Syndromes, Hereditary. Identifiers: Orphanet 140162, MedGen C0027672, MeSH D009386, MONDO:0015356.

Allele frequency attached by ClinVar (database versions not stated): gnomAD exomes below 0.00001.
gnomAD v4.1: 1 of 1,476,756 alleles (0.000068%); highest among the groups gnomAD compares: Non-Finnish European, 0.00009%; no homozygotes.

Submissions (2):

Ambry Genetics
Classification: Likely benign for Hereditary cancer-predisposing syndrome. Last evaluated: 2025-08-27. Review status: criteria provided, single submitter. Criteria: Ambry Variant Classification Scheme 2023. Collection method: clinical testing. Allele origin: germline.

Labcorp Genetics (formerly Invitae), Labcorp
Classification: Uncertain significance for Tumor predisposition syndrome 3. Last evaluated: 2025-05-04. Review status: criteria provided, single submitter. Criteria: Invitae Variant Classification Sherloc (09022015). Collection method: clinical testing. Allele origin: germline.
Comment: This sequence change replaces isoleucine, which is neutral and non-polar, with leucine, which is neutral and non-polar, at codon 10 of the POT1 protein (p.Ile10Leu). This variant is not present in population databases (gnomAD no frequency). This variant has not been reported in the literature in individuals affected with POT1-related conditions. ClinVar contains an entry for this variant (Variation ID: 821963). Invitae Evidence Modeling of protein sequence and biophysical properties (such as structural, functional, and spatial information, amino acid conservation, physicochemical variation, residue mobility, and thermodynamic stability) indicates that this missense variant is not expected to disrupt POT1 protein function with a negative predictive value of 80%. In summary, the available evidence is currently insufficient to determine the role of this variant in disease. Therefore, it has been classified as a Variant of Uncertain Significance.

NM_015450.3(POT1):c.28A>C (p.Ile10Leu)

Gene: POT1 (protection of telomeres 1; minus strand). Cytogenetic location: 7q31.33.
Variant type: single nucleotide variant.
Coding change: c.28A>C on transcript NM_015450.3 (MANE Select); coding-DNA position 28, A replaced by C.
Protein change: p.Ile10Leu; replaces isoleucine 10 with leucine.
Molecular consequence: missense variant. On other transcripts: 5 prime UTR variant (1), non-coding transcript variant (3).
Genome position (GRCh38, 1-based): chr7:124,892,362, T>G on the plus strand (A>C on the coding strand, the complement: POT1 is on the minus strand). VCF-style: chr7-124892362-T-G. GRCh37 (hg19) VCF-style: chr7-124532416-T-G.
Other names: c.-235A>C (NM_001042594.2); short protein forms I10L.
Identifiers: ClinVar variation 821963 (VCV000821963.8), dbSNP rs1584792042, ClinGen allele CA369066273.